The following is an entry in ClinVar:

NM_003242.6(TGFBR2):c.560_562del (p.Tyr187del)

Gene: TGFBR2 (transforming growth factor beta receptor 2; plus strand). Cytogenetic location: 3p24.1.
Variant type: Deletion.
Coding change: c.560_562del on transcript NM_003242.6 (MANE Select); coding-DNA positions 560 to 562, 3 bases deleted (ACT; older notation c.560_562delACT).
Protein change: p.Tyr187del; deletes tyrosine 187.
Molecular consequence: inframe deletion. On other transcripts: inframe indel (13).
Genome position (GRCh38, 1-based): chr3:30,671,743-30,671,745, ACT deleted; deleting any 3 consecutive bases within chr3:30,671,741-30,671,745 gives the same sequence; the c. name uses the placement nearest the transcript's 3' end. VCF-style (leftmost placement, unchanged base first): chr3-30671740-TCTA-T. GRCh37 (hg19) VCF-style: chr3-30713232-TCTA-T.
Other names: c.455_457delACT, p.Tyr152del (NM_001407135.1, NM_001407136.1, NM_001407132.1 and 2 more transcripts); c.275_277delACT, p.Tyr92del (NM_001407137.1); c.200_202delACT, p.Tyr67del (NM_001407138.1); c.743_745delACT, p.Tyr248del (NM_001407126.1); c.668_670delACT, p.Tyr223del (NM_001407127.1); c.587_589delACT, p.Tyr196del (NM_001407128.1); c.563_565delACT, p.Tyr188del (NM_001407129.1); c.560_562delACT, p.Tyr187del (NM_001407130.1); and 1 more; short protein forms Y212del, Y223del, Y67del, Y187del, Y152del, Y188del, Y196del, Y248del.
Identifiers: ClinVar variation 1748572 (VCV001748572.3), dbSNP rs2470559849, ClinGen allele CA2580069227.
Genomic context (GRCh38, chr3:30,671,740, plus strand): 5'-AAGTGACAGGCATCAGCCTCCTGCCACCACTGGGAGTTGCCATATCTGTCATCATCATCT[TCTA>T]CTGCTACCGCGTTAACCGGCAGCAGAAGCTGAGTTCAACCTGGGAAACCGGCAAGACGCG-3'

ClinVar aggregate classification (germline): Uncertain significance. Review status: criteria provided, multiple submitters, no conflicts (2 of 4 stars). 2 submissions from 2 submitters: Uncertain significance (2). Last evaluated 2023-03-30.

Conditions:
Familial thoracic aortic aneurysm and aortic dissection (TAAD). Also called: Thoracic aortic aneurysms and dissections. Identifiers: Orphanet 91387, MedGen C4707243, MONDO:0019625.

Submissions (2):

Labcorp Genetics (formerly Invitae), Labcorp
Classification: Uncertain significance for Familial thoracic aortic aneurysm and aortic dissection. Last evaluated: 2023-03-30. Review status: criteria provided, single submitter. Criteria: Invitae Variant Classification Sherloc (09022015). Collection method: clinical testing. Allele origin: germline.
Comment: In summary, the available evidence is currently insufficient to determine the role of this variant in disease. Therefore, it has been classified as a Variant of Uncertain Significance. Experimental studies and prediction algorithms are not available or were not evaluated, and the functional significance of this variant is currently unknown. ClinVar contains an entry for this variant (Variation ID: 1748572). This variant has not been reported in the literature in individuals affected with TGFBR2-related conditions. This variant is not present in population databases (gnomAD no frequency). This variant, c.560_562del, results in the deletion of 1 amino acid(s) of the TGFBR2 protein (p.Tyr187del), but otherwise preserves the integrity of the reading frame.

Ambry Genetics
Classification: Uncertain significance for Familial thoracic aortic aneurysm and aortic dissection. Last evaluated: 2018-03-28. Review status: criteria provided, single submitter. Criteria: Ambry Variant Classification Scheme 2023. Collection method: clinical testing. Allele origin: germline.
Comment: The c.560_562delACT variant (also known as p.Y187del) is located in coding exon 4 of the TGFBR2 gene. This variant results from an in-frame ACT deletion at nucleotide positions 560 to 562. This results in the in-frame deletion of a tyrosine at codon 187, and is located in the transmembrane domain. This amino acid position is highly conserved in available vertebrate species. Since supporting evidence is limited at this time, the clinical significance of this alteration remains unclear.